The following is an entry in ClinVar:

NM_004171.4(SLC1A2):c.320G>A (p.Gly107Asp)

Gene: SLC1A2 (solute carrier family 1 member 2; minus strand). Cytogenetic location: 11p13.
Variant type: single nucleotide variant.
Coding change: c.320G>A on transcript NM_004171.4 (MANE Select); coding-DNA position 320, G replaced by A.
Protein change: p.Gly107Asp; replaces glycine 107 with aspartic acid.
Molecular consequence: missense variant.
Genome position (GRCh38, 1-based): chr11:35,312,439, C>T on the plus strand (G>A on the coding strand, the complement: SLC1A2 is on the minus strand). VCF-style: chr11-35312439-C-T. GRCh37 (hg19) VCF-style: chr11-35333986-C-T.
Other names: c.320G>A (NM_004171.3); c.293G>A, p.Gly98Asp (NM_001195728.3, NM_001252652.2); short protein forms G98D, G107D.
Identifiers: ClinVar variation 1473212 (VCV001473212.9), dbSNP rs2134871359, ClinGen allele CA380129825.

ClinVar aggregate classification (germline): Uncertain significance. Review status: criteria provided, multiple submitters, no conflicts (2 of 4 stars). 3 submissions from 3 submitters: Uncertain significance (3). Last evaluated 2025-11-26.

Conditions:
SLC1A2-related disorder. Also called: SLC1A2-related condition.

Submissions (3):

Women's Health and Genetics/Laboratory Corporation of America, LabCorp
Classification: Uncertain significance. Last evaluated: 2025-11-26. Review status: criteria provided, single submitter. Criteria: LabCorp Variant Classification Summary - May 2015. Collection method: clinical testing. Allele origin: germline.
Comment: Variant summary: SLC1A2 c.320G>A (p.Gly107Asp) results in a non-conservative amino acid change in the encoded protein sequence. Algorithms developed to predict the effect of missense changes on protein structure and function are either unavailable or do not agree on the potential impact of this missense change. The variant was absent in 250920 control chromosomes. The available data on variant occurrences in the general population are insufficient to allow any conclusion about variant significance. To our knowledge, no occurrence of c.320G>A in individuals affected with SLC1A2-related conditions and no experimental evidence demonstrating its impact on protein function have been reported. ClinVar contains an entry for this variant (Variation ID: 1473212). Based on the evidence outlined above, the variant was classified as uncertain significance.

PreventionGenetics, part of Exact Sciences
Classification: Uncertain significance for SLC1A2-related condition. Last evaluated: 2022-10-04. Review status: criteria provided, single submitter. Criteria: ACMG Guidelines, 2015. Collection method: clinical testing. Allele origin: germline.
Comment: The SLC1A2 c.320G>A variant is predicted to result in the amino acid substitution p.Gly107Asp. To our knowledge, this variant has not been reported in the literature or in a large population database, indicating this variant is rare. At this time, the clinical significance of this variant is uncertain due to the absence of conclusive functional and genetic evidence.

Labcorp Genetics (formerly Invitae), Labcorp
Classification: Uncertain significance. Last evaluated: 2021-05-03. Review status: criteria provided, single submitter. Criteria: Invitae Variant Classification Sherloc (09022015). Collection method: clinical testing. Allele origin: germline.
Comment: Algorithms developed to predict the effect of missense changes on protein structure and function are either unavailable or do not agree on the potential impact of this missense change (SIFT: "Tolerated"; PolyPhen-2: "Probably Damaging"; Align-GVGD: "Class C0"). In summary, the available evidence is currently insufficient to determine the role of this variant in disease. Therefore, it has been classified as a Variant of Uncertain Significance. This variant has not been reported in the literature in individuals with SLC1A2-related conditions. This variant is not present in population databases (ExAC no frequency). This sequence change replaces glycine with aspartic acid at codon 107 of the SLC1A2 protein (p.Gly107Asp). The glycine residue is moderately conserved and there is a moderate physicochemical difference between glycine and aspartic acid.